The following is an entry in ClinVar:

ClinVar aggregate classification (germline): Pathogenic (1 of 4 stars; one submission).

Conditions:
Retinoblastoma (RB1). Also called: RETINOBLASTOMA, SOMATIC. Identifiers: Orphanet 790, MedGen C0035335, MeSH D012175, MONDO:0008380, OMIM 180200, HP:0009919. Disease mechanism: loss of function. Inheritance: Both sporadic and heritable forms are tested..

Submission:

Labcorp Genetics (formerly Invitae), Labcorp
Classification: Pathogenic for Retinoblastoma. Last evaluated: 2022-08-09. Review status: criteria provided, single submitter. Criteria: Invitae Variant Classification Sherloc (09022015). Collection method: clinical testing. Allele origin: germline.
Comment: For these reasons, this variant has been classified as Pathogenic. This variant has not been reported in the literature in individuals affected with RB1-related conditions. This variant is a gross deletion of the genomic region encompassing exon(s) 12-17 of the RB1 gene. This deletion is out-of-frame, and is expected to create a premature termination codon and result in an absent or disrupted protein product. Loss-of-function variants in RB1 are known to be pathogenic (PMID: 17096365).

Literature cited by the submitters: PubMed 17096365.

NC_000013.10:g.(?_48947531)_(48955589_?)del

Gene: RB1 (RB transcriptional corepressor 1; plus strand). Cytogenetic location: 13q14.2.
Variant type: Deletion.
Identifiers: ClinVar variation 2422874 (VCV002422874.4).